The following is an entry in ClinVar:

NM_201525.4(ADGRG1):c.1046G>C (p.Trp349Ser)

Gene: ADGRG1 (adhesion G protein-coupled receptor G1; plus strand). Cytogenetic location: 16q21.
Variant type: single nucleotide variant.
Coding change: c.1046G>C on transcript NM_201525.4 (MANE Select); coding-DNA position 1046, G replaced by C.
Protein change: p.Trp349Ser; replaces tryptophan 349 with serine.
Molecular consequence: missense variant.
Genome position (GRCh38, 1-based): chr16:57,656,254, G>C. VCF-style: chr16-57656254-G-C. GRCh37 (hg19) VCF-style: chr16-57690166-G-C.
Other names: c.1046G>C, p.Trp349Ser (NM_001145770.3, NM_001145771.3, NM_001145772.3 and 14 more transcripts); c.1061G>C, p.Trp354Ser (NM_001145773.3, NM_001370433.1); c.536G>C, p.Trp179Ser (NM_001290142.2); c.521G>C, p.Trp174Ser (NM_001290143.2, NM_001290144.2, NM_001370451.1 and 2 more transcripts); c.1043G>C, p.Trp348Ser (NM_001370434.1, NM_001370441.1); c.890G>C, p.Trp297Ser (NM_001370442.1); short protein forms W174S, W179S, W297S, W348S, W349S, W354S.
Identifiers: ClinVar variation 3366627 (VCV003366627.1).

ClinVar aggregate classification (germline): Likely pathogenic (1 of 4 stars; one submission).

Conditions:
Bilateral frontoparietal polymicrogyria. Also called: CORTICAL DYSPLASIA, COMPLEX, WITH OTHER BRAIN MALFORMATIONS 14A (BILATERAL FRONTOPARIETAL); CEREBELLAR ATAXIA WITH NEURONAL MIGRATION DEFECT. Identifiers: Orphanet 101070, MedGen C1847352, MONDO:0011738, OMIM 606854.

Submission:

Women's Health and Genetics/Laboratory Corporation of America, LabCorp
Classification: Likely pathogenic for Bilateral frontoparietal polymicrogyria. Last evaluated: 2024-08-23. Review status: criteria provided, single submitter. Criteria: LabCorp Variant Classification Summary - May 2015. Collection method: clinical testing. Allele origin: germline.
Comment: Variant summary: ADGRG1 c.1046G>C (p.Trp349Ser) results in a non-conservative amino acid change located in the GPS domain (PMID: 17576745) of the encoded protein sequence. Five of five in-silico tools predict a damaging effect of the variant on protein function. The variant was absent in 251484 control chromosomes. c.1046G>C has been reported in the literature in two homozygous individuals affected with Polymicrogyria, Bilateral Frontoparietal from two independent Israeli Jewish families, with evidence that the variant may be a founder mutation (Piao_2005). These data indicate that the variant is likely to be associated with disease. At least one publication reports experimental evidence evaluating an impact on protein function. These studies report the variant abolishes the proteolytic cleavage of GPR56 and consequently, the mutant proteins become trapped in the endoplasmic reticulum (ER), thereby preventing GPR56 expression on the cell surface (Zhaohui_2007, Chiang_2011). The following publications have been ascertained in the context of this evaluation (PMID: 16240336, 17576745, 21349848). No submitters have cited clinical-significance assessments for this variant to ClinVar. Based on the evidence outlined above, the variant was classified as likely pathogenic.

Literature cited by the submitters: PubMed 16240336; PubMed 21349848; PubMed 17576745.